The following is an entry in ClinVar:

ClinVar aggregate classification (germline): Likely benign. Review status: criteria provided, multiple submitters, no conflicts (2 of 4 stars). 2 submissions from 2 submitters: Likely benign (2). Last evaluated 2023-06-01.

Allele frequency attached by ClinVar (database versions not stated): gnomAD 0.00002; ExAC 0.00005.
gnomAD v4.1: 38 of 1,607,948 alleles (0.0024%); highest among the groups gnomAD compares: Admixed American, 0.0033%; no homozygotes.

Submissions (2):

CeGaT Center for Human Genetics Tuebingen
Classification: Likely benign. Last evaluated: 2023-06-01. Review status: criteria provided, single submitter. Criteria: CeGaT Center For Human Genetics Tuebingen Variant Classification Criteria Version 2. Collection method: clinical testing. Allele origin: germline. Affected: yes. Observed: 1 variant allele.
Comment: CTBP1: BP4

Labcorp Genetics (formerly Invitae), Labcorp
Classification: Likely benign. Last evaluated: 2022-05-12. Review status: criteria provided, single submitter. Criteria: Invitae Variant Classification Sherloc (09022015). Collection method: clinical testing. Allele origin: germline.

NM_001012614.2(CTBP1):c.515-4C>T

Genes: CTBP1 (C-terminal binding protein 1; minus strand), CTBP1-AS (CTBP1 antisense RNA; plus strand). Cytogenetic location: 4p16.3.
Variant type: single nucleotide variant.
Coding change: c.515-4C>T on transcript NM_001012614.2 (MANE Select); 4 bases into the intron before coding-DNA position 515, C replaced by T.
Molecular consequence: intron variant. On other transcripts: non-coding transcript variant (1).
Genome position (GRCh38, 1-based): chr4:1,216,209, G>A on the plus strand (C>T on the coding strand, the complement: CTBP1 is on the minus strand). VCF-style: chr4-1216209-G-A. GRCh37 (hg19) VCF-style: chr4-1209997-G-A.
Other names: c.515-4C>T (NM_001377192.1, NM_001377189.1, NM_001377193.1 and 4 more transcripts); c.548-4C>T (NM_001328.3, NM_001377186.1).
Identifiers: ClinVar variation 1985866 (VCV001985866.28), dbSNP rs759145559, ClinGen allele CA2804374.